The following is an entry in ClinVar:

ClinVar aggregate classification (germline): Likely benign (1 of 4 stars; one submission).

Allele frequency attached by ClinVar (database versions not stated): ExAC 0.00001; gnomAD 0.00001; gnomAD exomes 0.00001.

Submission:

GeneDx
Classification: Likely benign. Last evaluated: 2015-12-01. Review status: criteria provided, single submitter. Criteria: GeneDx Variant Classification (06012015). Collection method: clinical testing. Allele origin: germline. Affected: yes.
Comment: This variant is considered likely benign or benign based on one or more of the following criteria: it is a conservative change, it occurs at a poorly conserved position in the protein, it is predicted to be benign by multiple in silico algorithms, and/or has population frequency not consistent with disease.

NM_002474.3(MYH11):c.1749+17C>T

Gene: MYH11 (myosin heavy chain 11; minus strand). Cytogenetic location: 16p13.11.
Variant type: single nucleotide variant.
Coding change: c.1749+17C>T on transcript NM_002474.3 (MANE Select); 17 bases into the intron after coding-DNA position 1749, C replaced by T.
Molecular consequence: intron variant.
Genome position (GRCh38, 1-based): chr16:15,756,324, G>A on the plus strand (C>T on the coding strand, the complement: MYH11 is on the minus strand). VCF-style: chr16-15756324-G-A. GRCh37 (hg19) VCF-style: chr16-15850181-G-A.
Other names: c.1749+17C>T (NM_022844.3); c.1770+17C>T (NM_001040114.2, NM_001040113.2).
Identifiers: ClinVar variation 381898 (VCV000381898.1), dbSNP rs771861754, ClinGen allele CA7922532.
Genomic context (GRCh38, chr16:15,756,324, plus strand): 5'-ACTCTCAGACTGTCTCTGCGCTGAGCAGCCACTGGGGGTCCCCTGAGACAGAGTCCCCTG[G>A]GCCCTGTGGCTGGTACCTTCCCAGCATAATGGATGATGGAGAACTCAGTCTTGTCCTTGA-3'